The following is an entry in ClinVar:

NM_024009.3(GJB3):c.35G>A (p.Gly12Asp)

Gene: GJB3 (gap junction protein beta 3; plus strand). Cytogenetic location: 1p34.3.
Variant type: single nucleotide variant.
Coding change: c.35G>A on transcript NM_024009.3 (MANE Select); coding-DNA position 35, G replaced by A.
Protein change: p.Gly12Asp; replaces glycine 12 with aspartic acid.
Molecular consequence: missense variant.
Genome position (GRCh38, 1-based): chr1:34,784,797, G>A. VCF-style: chr1-34784797-G-A. GRCh37 (hg19) VCF-style: chr1-35250398-G-A.
Other names: c.35G>A, p.Gly12Asp (NM_001005752.2); short protein forms G12D.
Identifiers: ClinVar variation 6483 (VCV000006483.6), dbSNP rs74315316, ClinGen allele CA118303.
Genomic context (GRCh38, chr1:34,784,797, plus strand): 5'-GGTAGGCACGGCCCCCACCAGGCGCCATGGACTGGAAGACACTCCAGGCCCTACTGAGCG[G>A]TGTGAACAAGTACTCCACAGCGTTCGGGCGCATCTGGCTGTCCGTGGTGTTCGTCTTCCG-3'
Protein context (NP_076872.1, residues 2-22): DWKTLQALLS[Gly12Asp]VNKYSTAFGR

ClinVar aggregate classification (germline): Pathogenic. Review status: criteria provided, single submitter (1 of 4 stars). 2 submissions from 2 submitters: Pathogenic (1). 1 of the submissions does not count toward it. Last evaluated 2022-09-13.

Conditions:
Erythrokeratodermia variabilis et progressiva 1 (EKVP1). Also called: ERYTHROKERATODERMIA FIGURATA, CONGENITAL FAMILIAL, IN PLAQUES; ERYTHROKERATODERMIA VARIABILIS WITH ERYTHEMA GYRATUM REPENS; ERYTHROKERATODERMIA, PROGRESSIVE SYMMETRIC. Identifiers: Orphanet 317, MedGen C4551486, MONDO:0033010, OMIM 133200.

Submissions (2):

Labcorp Genetics (formerly Invitae), Labcorp
Classification: Pathogenic. Last evaluated: 2022-09-13. Review status: criteria provided, single submitter. Criteria: Invitae Variant Classification Sherloc (09022015). Collection method: clinical testing. Allele origin: germline.
Comment: Algorithms developed to predict the effect of missense changes on protein structure and function (SIFT, PolyPhen-2, Align-GVGD) all suggest that this variant is likely to be disruptive. ClinVar contains an entry for this variant (Variation ID: 6483). This missense change has been observed in individual(s) with erythrokeratodermia variabilis (PMID: 12648223). It has also been observed to segregate with disease in related individuals. This variant is not present in population databases (gnomAD no frequency). This sequence change replaces glycine, which is neutral and non-polar, with aspartic acid, which is acidic and polar, at codon 12 of the GJB3 protein (p.Gly12Asp). Experimental studies have shown that this missense change affects GJB3 function (PMID: 12165562, 12702148, 19755382). For these reasons, this variant has been classified as Pathogenic. This variant disrupts the p.Gly12 amino acid residue in GJB3. Other variant(s) that disrupt this residue have been determined to be pathogenic (PMID: 9843209). This suggests that this residue is clinically significant, and that variants that disrupt this residue are likely to be disease-causing.

OMIM
Classification: Pathogenic for ERYTHROKERATODERMIA VARIABILIS ET PROGRESSIVA 1. Last evaluated: 1998-12-01. Review status: no assertion criteria provided. Collection method: literature only. Allele origin: germline. Not counted in ClinVar's aggregate classification.

Literature cited by the submitters: PubMed 12648223 (cited by Labcorp Genetics (formerly Invitae), Labcorp); PubMed 12165562 (cited by Labcorp Genetics (formerly Invitae), Labcorp); PubMed 12702148 (cited by Labcorp Genetics (formerly Invitae), Labcorp); PubMed 19755382 (cited by Labcorp Genetics (formerly Invitae), Labcorp); PubMed 9843209 (cited by Labcorp Genetics (formerly Invitae), Labcorp and OMIM).